The following is an entry in ClinVar:

ClinVar aggregate classification (germline): Uncertain significance. Review status: criteria provided, multiple submitters, no conflicts (2 of 4 stars). 2 submissions from 2 submitters: Uncertain significance (2). Last evaluated 2025-04-23.

Conditions:
Hereditary cancer-predisposing syndrome. Also called: Tumor predisposition; Hereditary neoplastic syndrome; Hereditary Cancer Syndrome; Neoplastic Syndromes, Hereditary. Identifiers: Orphanet 140162, MedGen C0027672, MeSH D009386, MONDO:0015356.
Tuberous sclerosis 2 (TSC2). Identifiers: Orphanet 805, MedGen C1860707, MONDO:0013199, OMIM 613254.

Submissions (2):

Labcorp Genetics (formerly Invitae), Labcorp
Classification: Uncertain significance for Tuberous sclerosis 2. Last evaluated: 2025-04-23. Review status: criteria provided, single submitter. Criteria: Invitae Variant Classification Sherloc (09022015). Collection method: clinical testing. Allele origin: germline.
Comment: This sequence change replaces aspartic acid, which is acidic and polar, with asparagine, which is neutral and polar, at codon 616 of the TSC2 protein (p.Asp616Asn). This variant is not present in population databases (gnomAD no frequency). This variant has not been reported in the literature in individuals affected with TSC2-related conditions. ClinVar contains an entry for this variant (Variation ID: 1950258). Invitae Evidence Modeling of protein sequence and biophysical properties (such as structural, functional, and spatial information, amino acid conservation, physicochemical variation, residue mobility, and thermodynamic stability) indicates that this missense variant is not expected to disrupt TSC2 protein function with a negative predictive value of 95%. In summary, the available evidence is currently insufficient to determine the role of this variant in disease. Therefore, it has been classified as a Variant of Uncertain Significance.

Ambry Genetics
Classification: Uncertain significance for Hereditary cancer-predisposing syndrome. Last evaluated: 2024-02-28. Review status: criteria provided, single submitter. Criteria: Ambry Variant Classification Scheme 2023. Collection method: clinical testing. Allele origin: germline.
Comment: The p.D616N variant (also known as c.1846G>A), located in coding exon 17 of the TSC2 gene, results from a G to A substitution at nucleotide position 1846. The aspartic acid at codon 616 is replaced by asparagine, an amino acid with highly similar properties. This amino acid position is conserved. In addition, the in silico prediction for this alteration is inconclusive. Based on the available evidence, the clinical significance of this alteration remains unclear.

NM_000548.5(TSC2):c.1846G>A (p.Asp616Asn)

Gene: TSC2 (TSC complex subunit 2; plus strand). Cytogenetic location: 16p13.3.
Variant type: single nucleotide variant.
Coding change: c.1846G>A on transcript NM_000548.5 (MANE Select); coding-DNA position 1846, G replaced by A.
Protein change: p.Asp616Asn; replaces aspartic acid 616 with asparagine.
Molecular consequence: missense variant.
Genome position (GRCh38, 1-based): chr16:2,071,516, G>A. VCF-style: chr16-2071516-G-A. GRCh37 (hg19) VCF-style: chr16-2121517-G-A.
Other names: c.1846G>A, p.Asp616Asn (NM_001077183.3, NM_001114382.3, NM_001363528.2 and 6 more transcripts); c.1735G>A, p.Asp579Asn (NM_001318827.2, NM_001406670.1, NM_001406678.1); c.1699G>A, p.Asp567Asn (NM_001318829.2, NM_001406675.1, NM_001406676.1 and 1 more transcripts); c.1246G>A, p.Asp416Asn (NM_001318831.2, NM_001406680.1, NM_001406682.1 and 6 more transcripts); c.1879G>A, p.Asp627Asn (NM_001318832.2); c.1936G>A, p.Asp646Asn (NM_001406667.1, NM_001406668.1); c.1834G>A, p.Asp612Asn (NM_001406671.1, NM_001406673.1); c.1789G>A, p.Asp597Asn (NM_001406677.1); and 3 more; short protein forms D597N, D82N, D168N, D627N, D567N, D416N, D462N, D579N.
Identifiers: ClinVar variation 1950258 (VCV001950258.6), dbSNP rs2151296118, ClinGen allele CA394273038.